The following is an entry in ClinVar:

NM_004370.6(COL12A1):c.2094G>C (p.Leu698Phe)

Gene: COL12A1 (collagen type XII alpha 1 chain; minus strand). Cytogenetic location: 6q13.
Variant type: single nucleotide variant.
Coding change: c.2094G>C on transcript NM_004370.6 (MANE Select); coding-DNA position 2094, G replaced by C.
Protein change: p.Leu698Phe; replaces leucine 698 with phenylalanine.
Molecular consequence: missense variant. On other transcripts: intron variant (1).
Genome position (GRCh38, 1-based): chr6:75,181,009, C>G on the plus strand (G>C on the coding strand, the complement: COL12A1 is on the minus strand). VCF-style: chr6-75181009-C-G. GRCh37 (hg19) VCF-style: chr6-75890725-C-G.
Other names: c.73+21711G>C (NM_080645.3); short protein forms L698F.
Identifiers: ClinVar variation 951282 (VCV000951282.12), dbSNP rs756368336, ClinGen allele CA3894069.

ClinVar aggregate classification (germline): Uncertain significance. Review status: criteria provided, multiple submitters, no conflicts (2 of 4 stars). 5 submissions from 5 submitters: Uncertain significance (4). 1 of the submissions does not count toward it. Last evaluated 2025-08-13.

Conditions:
COL12A1-related disorder. Also called: COL12A1-related condition.
Inborn genetic diseases. Identifiers: MedGen C0950123, MeSH D030342.
Ullrich congenital muscular dystrophy 2 (UCMD2). Identifiers: Orphanet 75840, MedGen C4225314, MONDO:0014654, OMIM 616470.
Bethlem myopathy 2 (BTHLM2). Identifiers: Orphanet 536516, Orphanet 610, MedGen C4225313, MONDO:0034022, OMIM 616471.

Allele frequency attached by ClinVar (database versions not stated): gnomAD 0.00001.
gnomAD v4.1: 32 of 1,613,866 alleles (0.002%); highest among the groups gnomAD compares: African/African-American, 0.004%; no homozygotes.

Submissions (5):

Labcorp Genetics (formerly Invitae), Labcorp
Classification: Uncertain significance for Bethlem myopathy 2; Ullrich congenital muscular dystrophy 2. Last evaluated: 2025-08-13. Review status: criteria provided, single submitter. Criteria: Invitae Variant Classification Sherloc (09022015). Collection method: clinical testing. Allele origin: germline.
Comment: This sequence change replaces leucine, which is neutral and non-polar, with phenylalanine, which is neutral and non-polar, at codon 698 of the COL12A1 protein (p.Leu698Phe). This variant is present in population databases (rs756368336, gnomAD 0.002%). This variant has not been reported in the literature in individuals affected with COL12A1-related conditions. ClinVar contains an entry for this variant (Variation ID: 951282). Invitae Evidence Modeling of protein sequence and biophysical properties (such as structural, functional, and spatial information, amino acid conservation, physicochemical variation, residue mobility, and thermodynamic stability) indicates that this missense variant is not expected to disrupt COL12A1 protein function with a negative predictive value of 80%. In summary, the available evidence is currently insufficient to determine the role of this variant in disease. Therefore, it has been classified as a Variant of Uncertain Significance.

GeneDx
Classification: Uncertain significance. Last evaluated: 2025-04-23. Review status: criteria provided, single submitter. Criteria: GeneDx Variant Classification Process June 2021. Collection method: clinical testing. Allele origin: germline. Affected: yes.
Comment: Has not been previously published as pathogenic or benign to our knowledge; Not observed at significant frequency in large population cohorts (gnomAD); In silico analysis indicates that this missense variant does not alter protein structure/function

Ambry Genetics
Classification: Uncertain significance for Inborn genetic diseases. Last evaluated: 2024-11-10. Review status: criteria provided, single submitter. Criteria: Ambry Variant Classification Scheme 2023. Collection method: clinical testing. Allele origin: germline.

Blueprint Genetics
Classification: Uncertain significance. Last evaluated: 2023-02-15. Review status: criteria provided, single submitter. Criteria: ACMG Guidelines, 2015. Collection method: clinical testing. Allele origin: germline.

PreventionGenetics, part of Exact Sciences
Classification: Uncertain significance for COL12A1-related condition. Last evaluated: 2023-11-29. Review status: no assertion criteria provided. Collection method: clinical testing. Allele origin: germline. Not counted in ClinVar's aggregate classification.
Comment: The COL12A1 c.2094G>C variant is predicted to result in the amino acid substitution p.Leu698Phe. To our knowledge, this variant has not been reported in the literature. This variant is reported in 0.0027% of alleles in individuals of European (Non-Finnish) descent in gnomAD. At this time, the clinical significance of this variant is uncertain due to the absence of conclusive functional and genetic evidence.